The following is an entry in ClinVar:

NM_005245.4(FAT1):c.3995G>A (p.Arg1332His)

Gene: FAT1 (FAT atypical cadherin 1; minus strand). Cytogenetic location: 4q35.2.
Variant type: single nucleotide variant.
Coding change: c.3995G>A on transcript NM_005245.4 (MANE Select); coding-DNA position 3995, G replaced by A.
Protein change: p.Arg1332His; replaces arginine 1332 with histidine.
Molecular consequence: missense variant.
Genome position (GRCh38, 1-based): chr4:186,636,213, C>T on the plus strand (G>A on the coding strand, the complement: FAT1 is on the minus strand). VCF-style: chr4-186636213-C-T. GRCh37 (hg19) VCF-style: chr4-187557367-C-T.
Other names: short protein forms R1332H.
Identifiers: ClinVar variation 3513181 (VCV003513181.3).
Genomic context (GRCh38, chr4:186,636,213, plus strand): 5'-GACGGTTTGGGCTTGGAGATCCATTCAATATGGAGTCTGGTGGTTGATGACTTTTGAGGG[C>T]GACCATTGTCAACTGCCTTAATCTACAACATTTGGGCAGAGGGGATTAAAAACAGCAAAT-3'
Protein context (NP_005236.2, residues 1322-1342): ILSIKAVDNG[Arg1332His]PQKSSTTRLH

ClinVar aggregate classification (germline): Uncertain significance. Review status: criteria provided, multiple submitters, no conflicts (2 of 4 stars). 2 submissions from 2 submitters: Uncertain significance (2). Last evaluated 2024-10-12.

Conditions:
Inborn genetic diseases. Identifiers: MedGen C0950123, MeSH D030342.

gnomAD v4.1: 21 of 1,613,754 alleles (0.0013%); highest among the groups gnomAD compares: East Asian, 0.018%; no homozygotes.

Submissions (2):

Ambry Genetics
Classification: Uncertain significance for Inborn genetic diseases. Last evaluated: 2024-10-12. Review status: criteria provided, single submitter. Criteria: Ambry Variant Classification Scheme 2023. Collection method: clinical testing. Allele origin: germline.

Labcorp Genetics (formerly Invitae), Labcorp
Classification: Uncertain significance. Last evaluated: 2024-08-06. Review status: criteria provided, single submitter. Criteria: Invitae Variant Classification Sherloc (09022015). Collection method: clinical testing. Allele origin: germline.
Comment: This sequence change replaces arginine, which is basic and polar, with histidine, which is basic and polar, at codon 1332 of the FAT1 protein (p.Arg1332His). This variant is present in population databases (rs746932852, gnomAD 0.03%). This variant has not been reported in the literature in individuals affected with FAT1-related conditions. Advanced modeling of protein sequence and biophysical properties (such as structural, functional, and spatial information, amino acid conservation, physicochemical variation, residue mobility, and thermodynamic stability) performed at Invitae indicates that this missense variant is not expected to disrupt FAT1 protein function with a negative predictive value of 80%. In summary, the available evidence is currently insufficient to determine the role of this variant in disease. Therefore, it has been classified as a Variant of Uncertain Significance.